The following is an entry in ClinVar:

ClinVar aggregate classification (germline): Likely benign. Review status: criteria provided, multiple submitters, no conflicts (2 of 4 stars). 2 submissions from 2 submitters: Likely benign (2). Last evaluated 2025-09-03.

Conditions:
CDK13-related disorder. Also called: CDK13-related condition. Identifiers: MedGen C5816700.

Allele frequency attached by ClinVar (database versions not stated): gnomAD 0.00001; TOPMed 0.00001.
gnomAD v4.1: 49 of 1,435,270 alleles (0.0034%); highest among the groups gnomAD compares: Middle Eastern, 0.025%; no homozygotes.

Submissions (2):

Labcorp Genetics (formerly Invitae), Labcorp
Classification: Likely benign. Last evaluated: 2025-09-03. Review status: criteria provided, single submitter. Criteria: Invitae Variant Classification Sherloc (09022015). Collection method: clinical testing. Allele origin: germline.

PreventionGenetics, part of Exact Sciences
Classification: Likely benign for CDK13-related condition. Last evaluated: 2024-11-26. Review status: criteria provided, single submitter. Criteria: ACMG Guidelines, 2015. Collection method: clinical testing. Allele origin: germline.
Comment: This variant is classified as likely benign based on ACMG/AMP sequence variant interpretation guidelines (Richards et al. 2015 PMID: 25741868, with internal and published modifications).

NM_003718.5(CDK13):c.177C>T (p.Leu59=)

Gene: CDK13 (cyclin dependent kinase 13; plus strand). Cytogenetic location: 7p14.1.
Variant type: single nucleotide variant.
Coding change: c.177C>T on transcript NM_003718.5 (MANE Select); coding-DNA position 177, C replaced by T.
Protein change: p.Leu59=; no amino-acid change (leucine 59 retained).
Molecular consequence: synonymous variant.
Genome position (GRCh38, 1-based): chr7:39,950,818, C>T. VCF-style: chr7-39950818-C-T. GRCh37 (hg19) VCF-style: chr7-39990417-C-T.
Other names: c.177C>T, p.Leu59= (NM_031267.4); c.177C>T (NM_003718.4).
Identifiers: ClinVar variation 2895384 (VCV002895384.4), dbSNP rs937054016, ClinGen allele CA157707121.